The following is an entry in ClinVar:

NM_001099922.3(ALG13):c.2324A>G (p.Lys775Arg)

Gene: ALG13 (ALG13 UDP-N-acetylglucosaminyltransferase subunit; plus strand). Cytogenetic location: Xq23.
Variant type: single nucleotide variant.
Coding change: c.2324A>G on transcript NM_001099922.3 (MANE Select); coding-DNA position 2324, A replaced by G.
Protein change: p.Lys775Arg; replaces lysine 775 with arginine.
Molecular consequence: missense variant. On other transcripts: non-coding transcript variant (1).
Genome position (GRCh38, 1-based): chrX:111,728,261, A>G. VCF-style: chrX-111728261-A-G. GRCh37 (hg19) VCF-style: chrX-110971489-A-G.
Other names: c.2012A>G, p.Lys671Arg (NM_001257230.2, NM_001257234.2, NM_001257237.2); c.2090A>G, p.Lys697Arg (NM_001257231.2); c.2324A>G, p.Lys775Arg (NM_001324292.2); c.1838A>G, p.Lys613Arg (NM_001324293.1); short protein forms K697R, K671R, K775R, K613R.
Identifiers: ClinVar variation 681603 (VCV000681603.6), dbSNP rs766946325, ClinGen allele CA10493862.

ClinVar aggregate classification (germline): Likely benign. Review status: criteria provided, multiple submitters, no conflicts (2 of 4 stars). 2 submissions from 2 submitters: Likely benign (2). Last evaluated 2024-10-22.

Conditions:
Developmental and epileptic encephalopathy, 36 (DEE36). Also called: Epileptic encephalopathy, early infantile, 36; ALG13-CDG; Congenital disorder of glycosylation, type Is. Identifiers: Orphanet 324422, MedGen C4317295, MONDO:0010472, OMIM 300884.

Allele frequency attached by ClinVar (database versions not stated): ExAC 0.00001; gnomAD 0.00002 and 0.00003; TOPMed 0.00003; gnomAD exomes 0.00004.
gnomAD v4.1: 23 of 1,210,010 alleles (0.0019%); highest among the groups gnomAD compares: Non-Finnish European, 0.0025%; no homozygotes.

Submissions (2):

Labcorp Genetics (formerly Invitae), Labcorp
Classification: Likely benign for Developmental and epileptic encephalopathy, 36. Last evaluated: 2024-10-22. Review status: criteria provided, single submitter. Criteria: Invitae Variant Classification Sherloc (09022015). Collection method: clinical testing. Allele origin: germline.

GeneDx
Classification: Likely benign. Last evaluated: 2018-04-12. Review status: criteria provided, single submitter. Criteria: GeneDx Variant Classification (06012015). Collection method: clinical testing. Allele origin: germline. Affected: yes.
Comment: This variant is considered likely benign or benign based on one or more of the following criteria: it is a conservative change, it occurs at a poorly conserved position in the protein, it is predicted to be benign by multiple in silico algorithms, and/or has population frequency not consistent with disease.